The following is an entry in ClinVar:

ClinVar aggregate classification (germline): Pathogenic/Likely pathogenic. Review status: criteria provided, multiple submitters, no conflicts (2 of 4 stars). 2 submissions from 2 submitters: Pathogenic (1); Likely pathogenic (1). Last evaluated 2021-09-29.

Conditions:
Developmental and epileptic encephalopathy, 13 (DEE13). Also called: Developmental and Epileptic Encephalopathy (SCN8A-DEE); Early infantile epileptic encephalopathy 13; SCN8A-Related Epilepsy. Identifiers: Orphanet 442835, MedGen C3281191, MONDO:0013801, OMIM 614558.

Submissions (2):

Institute of Human Genetics, University of Leipzig Medical Center
Classification: Pathogenic for Developmental and epileptic encephalopathy, 13. Last evaluated: 2021-09-29. Review status: criteria provided, single submitter. Criteria: ACMG Guidelines, 2015. Collection method: clinical testing. Allele origin: unknown. Inheritance: Autosomal dominant inheritance. Affected: yes.
Comment: Criteria applied: PVS1, PM2, PS4_SUP

Institute for Medical Genetics and Human Genetics, Charité - Universitätsmedizin Berlin
Classification: Likely pathogenic for Developmental and epileptic encephalopathy, 13. Review status: criteria provided, single submitter. Criteria: ACMG Guidelines, 2015. Collection method: not provided. Allele origin: germline. Inheritance: Autosomal dominant inheritance. Affected: yes.

NM_001330260.2(SCN8A):c.2706del (p.Glu903fs)

Gene: SCN8A (sodium voltage-gated channel alpha subunit 8; plus strand). Cytogenetic location: 12q13.13.
Variant type: Deletion.
Coding change: c.2706del on transcript NM_001330260.2 (MANE Select); coding-DNA position 2706, one base deleted (A; older notation c.2706delA).
Protein change: p.Glu903fs; shifts the reading frame from glutamic acid 903.
Molecular consequence: frameshift variant.
Genome position (GRCh38, 1-based): chr12:51,765,832, A deleted; the last of 3 consecutive A bases (chr12:51,765,830-51,765,832); deleting any one gives the same sequence. VCF-style (leftmost placement, unchanged base first): chr12-51765829-CA-C. GRCh37 (hg19) VCF-style: chr12-52159613-CA-C.
Other names: c.2706del, p.Glu903fs (NM_001177984.3, NM_001369788.1, NM_014191.4); short protein forms E903fs.
Identifiers: ClinVar variation 1299336 (VCV001299336.6), dbSNP rs2138862858, ClinGen allele CA2499221733.